The following is an entry in ClinVar:

NM_005422.4(TECTA):c.761T>C (p.Ile254Thr)

Genes: TBCEL-TECTA (TBCEL-TECTA readthrough; plus strand), TECTA (tectorin alpha; plus strand). Cytogenetic location: 11q23.3.
Variant type: single nucleotide variant.
Coding change: c.761T>C on transcript NM_005422.4 (MANE Select); coding-DNA position 761, T replaced by C.
Protein change: p.Ile254Thr; replaces isoleucine 254 with threonine.
Molecular consequence: missense variant.
Genome position (GRCh38, 1-based): chr11:121,113,689, T>C. VCF-style: chr11-121113689-T-C. GRCh37 (hg19) VCF-style: chr11-120984398-T-C.
Other names: c.1718T>C, p.Ile573Thr (NM_001378761.1); short protein forms I573T, I254T.
Identifiers: ClinVar variation 1034177 (VCV001034177.1), dbSNP rs1946467660, ClinGen allele CA383023437.

ClinVar aggregate classification (germline): Uncertain significance (1 of 4 stars; one submission).

Conditions:
Autosomal dominant nonsyndromic hearing loss 12. Also called: DEAFNESS, AUTOSOMAL DOMINANT 8. Identifiers: Orphanet 90635, MedGen C1832187, MONDO:0011102, OMIM 601543.

Allele frequency attached by ClinVar (database versions not stated): gnomAD exomes below 0.00001.
gnomAD v4.1: 1 of 1,613,852 alleles (0.000062%); highest among the groups gnomAD compares: Non-Finnish European, 0.000085%; no homozygotes.

Submission:

Baylor Genetics
Classification: Uncertain significance for Autosomal dominant nonsyndromic hearing loss 12. Last evaluated: 2018-09-12. Review status: criteria provided, single submitter. Criteria: ACMG Guidelines, 2015. Collection method: clinical testing. Allele origin: maternal. Affected: yes.
Comment: This variant was determined to be of uncertain significance according to ACMG Guidelines, 2015 [PMID:25741868].